The following is an entry in ClinVar:

ClinVar aggregate classification (germline): Benign/Likely benign. Review status: criteria provided, multiple submitters, no conflicts (2 of 4 stars). 13 submissions from 13 submitters: Benign (9); Likely benign (2). 2 of the submissions do not count toward it. Last evaluated 2026-09-01.

Conditions:
Connective tissue disorder. Also called: Connective tissue disease. Identifiers: MedGen C0009782, MONDO:0003900.

Allele frequency attached by ClinVar (database versions not stated): 1000 Genomes Project 0.00459; 1000 Genomes Project 30x 0.00468; TOPMed 0.00836; ESP Exome Variant Server 0.00940.
gnomAD v4.1: 18,818 of 1,552,770 alleles (1.2%); highest among the groups gnomAD compares: Non-Finnish European, 1.4%; 148 homozygotes.

Submissions (13):

CeGaT Center for Human Genetics Tuebingen
Classification: Benign. Last evaluated: 2026-09-01. Review status: criteria provided, single submitter. Criteria: CeGaT Center For Human Genetics Tuebingen Variant Classification Criteria Version 2. Collection method: clinical testing. Allele origin: germline. Affected: yes. Observed: 19 variant alleles.
Comment: COL9A3: BP4, BS1, BS2

Women's Health and Genetics/Laboratory Corporation of America, LabCorp
Classification: Likely benign. Last evaluated: 2026-05-11. Review status: criteria provided, single submitter. Criteria: LabCorp Variant Classification Summary - May 2015. Collection method: clinical testing. Allele origin: germline.

Labcorp Genetics (formerly Invitae), Labcorp
Classification: Benign. Last evaluated: 2026-02-04. Review status: criteria provided, single submitter. Criteria: Invitae Variant Classification Sherloc (09022015). Collection method: clinical testing. Allele origin: germline.

Blueprint Genetics
Classification: Likely benign. Last evaluated: 2024-11-28. Review status: criteria provided, single submitter. Criteria: ACMG Guidelines, 2015. Collection method: clinical testing. Allele origin: germline.

ARUP Laboratories, Molecular Genetics and Genomics, ARUP Laboratories
Classification: Benign. Last evaluated: 2023-11-29. Review status: criteria provided, single submitter. Criteria: ARUP Molecular Germline Variant Investigation Process 2024. Collection method: clinical testing. Allele origin: germline.

Mayo Clinic Laboratories, Mayo Clinic
Classification: Benign. Last evaluated: 2021-07-13. Review status: criteria provided, single submitter. Criteria: ACMG Guidelines, 2015. Collection method: clinical testing. Allele origin: germline. Observed: 2 variant alleles.

Genome Diagnostics Laboratory, The Hospital for Sick Children
Classification: Benign for Connective tissue disorder. Last evaluated: 2021-05-21. Review status: criteria provided, single submitter. Criteria: ACMG Guidelines, 2015. Collection method: clinical testing. Allele origin: germline.

GeneDx
Classification: Benign. Last evaluated: 2020-09-30. Review status: criteria provided, single submitter. Criteria: GeneDx Variant Classification Process June 2021. Collection method: clinical testing. Allele origin: germline. Affected: yes.

Athena Diagnostics
Classification: Benign. Last evaluated: 2018-12-27. Review status: criteria provided, single submitter. Criteria: Athena Diagnostics Criteria. Collection method: clinical testing. Allele origin: germline.

Breakthrough Genomics
Classification: Benign. Review status: criteria provided, single submitter. Criteria: ACMG Guidelines, 2015. Collection method: not provided. Allele origin: germline. Inheritance: Autosomal recessive inheritance. Affected: yes.

PreventionGenetics, part of Exact Sciences
Classification: Benign. Review status: criteria provided, single submitter. Criteria: ACMG Guidelines, 2015. Collection method: clinical testing. Allele origin: germline.

Genome Diagnostics Laboratory, Amsterdam University Medical Center
Classification: Benign. Review status: no assertion criteria provided. Collection method: clinical testing. Allele origin: germline. Affected: yes. Study: VKGL Data-share Consensus. Not counted in ClinVar's aggregate classification.

Laboratory of Diagnostic Genome Analysis, Leiden University Medical Center (LUMC)
Classification: Likely benign. Review status: no assertion criteria provided. Collection method: clinical testing. Allele origin: germline. Affected: yes. Study: VKGL Data-share Consensus. Not counted in ClinVar's aggregate classification.

NM_001853.4(COL9A3):c.1816G>A (p.Ala606Thr)

Gene: COL9A3 (collagen type IX alpha 3 chain; plus strand). Cytogenetic location: 20q13.33.
Variant type: single nucleotide variant.
Coding change: c.1816G>A on transcript NM_001853.4 (MANE Select); coding-DNA position 1816, G replaced by A.
Protein change: p.Ala606Thr; replaces alanine 606 with threonine.
Molecular consequence: missense variant.
Genome position (GRCh38, 1-based): chr20:62,838,713, G>A. VCF-style: chr20-62838713-G-A. GRCh37 (hg19) VCF-style: chr20-61470065-G-A.
Other names: p.Ala606Thr; c.1816G>A, p.Ala606Thr (LRG_1253t1); short protein forms A606T.
Identifiers: ClinVar variation 258418 (VCV000258418.48), dbSNP rs142792529, ClinGen allele CA9950214.
Genomic context (GRCh38, chr20:62,838,713, plus strand): 5'-ACCATATGTCTGTGTCCACACCTCGTGACAGGAAACCAGGGTGACAGAGGAGACAAAGGC[G>A]CGGCAGGAGCAGGGCTGGACGGGCCTGAAGGAGACCAGGGGCCCCAAGGTACGAGTCCAC-3'
Protein context (NP_001844.3, residues 596-616): GNQGDRGDKG[Ala606Thr]AGAGLDGPEG